The following is an entry in ClinVar:

ClinVar aggregate classification (germline): Uncertain significance (1 of 4 stars; one submission).

Submission:

GeneDx
Classification: Uncertain significance. Last evaluated: 2025-01-03. Review status: criteria provided, single submitter. Criteria: GeneDx Variant Classification Process June 2021. Collection method: clinical testing. Allele origin: germline. Affected: yes.
Comment: Not observed at significant frequency in large population cohorts (gnomAD); Canonical splice site variant with an unclear effect on protein function; Has not been previously published as pathogenic or benign to our knowledge

NM_006180.6(NTRK2):c.2332-7_2350del

Gene: NTRK2 (neurotrophic receptor tyrosine kinase 2; plus strand). Cytogenetic location: 9q21.33.
Variant type: Deletion.
Coding change: c.2332-7_2350del on transcript NM_006180.6 (MANE Select); 7 bases into the intron before coding-DNA position 2332 through coding-DNA position 2350, 26 bases deleted (CATCCAGGTGATAGAGTGTATCACTC).
Molecular consequence: splice acceptor variant.
Genome position (GRCh38, 1-based): chr9:85,021,245-85,021,270, CATCCAGGTGATAGAGTGTATCACTC deleted; deleting any 26 consecutive bases within chr9:85,021,242-85,021,270 gives the same sequence; the c. name uses the placement nearest the transcript's 3' end. VCF-style (leftmost placement, unchanged base first): chr9-85021241-TCTCCATCCAGGTGATAGAGTGTATCA-T. GRCh37 (hg19) VCF-style: chr9-87636156-TCTCCATCCAGGTGATAGAGTGTATCA-T.
Other names: c.2284-7_2302del (NM_001369532.1, NM_001369533.1, NM_001018064.3); c.2248-7_2266del (NM_001369534.1); c.1864-7_1882del (NM_001369536.1); c.1816-7_1834del (NM_001369535.1).
Identifiers: ClinVar variation 4055945 (VCV004055945.1).